The following is an entry in ClinVar:

ClinVar aggregate classification (germline): Pathogenic (1 of 4 stars; one submission).

Conditions:
Duchenne muscular dystrophy (DMD). Also called: MUSCULAR DYSTROPHY, PSEUDOHYPERTROPHIC PROGRESSIVE, DUCHENNE TYPE; Duchenne Muscular Dystrophy (DMD). Identifiers: Orphanet 98896, MedGen C0013264, MONDO:0010679, OMIM 310200.

Submission:

Labcorp Genetics (formerly Invitae), Labcorp
Classification: Pathogenic for Duchenne muscular dystrophy. Last evaluated: 2016-10-25. Review status: criteria provided, single submitter. Criteria: Invitae Variant Classification Sherloc (09022015). Collection method: clinical testing. Allele origin: germline.
Comment: For these reasons, this variant has been classified as Pathogenic. While this particular variant has not been reported in the literature, truncating variants in DMD are known to be pathogenic (PMID: 16770791). This sequence change inserts 1 nucleotide in exon 3 of the DMD mRNA (c.153dupA), causing a frameshift at codon 52. This creates a premature translational stop signal (p.Asp52Argfs*37) and is expected to result in an absent or disrupted protein product.

Literature cited by the submitters: PubMed 16770791.

NM_004006.3(DMD):c.153dup (p.Asp52fs)

Gene: DMD (dystrophin; minus strand). Cytogenetic location: Xp21.1.
Variant type: Duplication.
Coding change: c.153dup on transcript NM_004006.3 (MANE Select); coding-DNA position 153, one base duplicated (A; older notation c.153dupA).
Protein change: p.Asp52fs; shifts the reading frame from aspartic acid 52.
Molecular consequence: frameshift variant. On other transcripts: 5 prime UTR variant (1).
Genome position (GRCh38, 1-based): chrX:32,849,761, T duplicated on the plus strand (A on the coding strand, the reverse complement: DMD is on the minus strand). VCF-style (leftmost placement, unchanged base first): chrX-32849760-C-CT. GRCh37 (hg19) VCF-style: chrX-32867877-C-CT.
Other names: c.129dup, p.Asp44fs (NM_000109.4); c.141dup, p.Asp48fs (NM_004009.3); c.-217dup (NM_004010.3); c.153dupA (NM_004006.2); short protein forms D44fs, D48fs, D52fs.
Identifiers: ClinVar variation 409928 (VCV000409928.9), dbSNP rs1557084128, ClinGen allele CA16616690.